The following is an entry in ClinVar:

NM_052813.5(CARD9):c.223G>A (p.Gly75Ser)

Gene: CARD9 (caspase recruitment domain family member 9; minus strand). Cytogenetic location: 9q34.3.
Variant type: single nucleotide variant.
Coding change: c.223G>A on transcript NM_052813.5 (MANE Select); coding-DNA position 223, G replaced by A.
Protein change: p.Gly75Ser; replaces glycine 75 with serine.
Molecular consequence: missense variant.
Genome position (GRCh38, 1-based): chr9:136,371,423, C>T on the plus strand (G>A on the coding strand, the complement: CARD9 is on the minus strand). VCF-style: chr9-136371423-C-T. GRCh37 (hg19) VCF-style: chr9-139265875-C-T.
Other names: c.223G>A, p.Gly75Ser (NM_052814.4); short protein forms G75S.
Identifiers: ClinVar variation 651672 (VCV000651672.9), dbSNP rs1437385436, ClinGen allele CA375546148.
Genomic context (GRCh38, chr9:136,371,423, plus strand): 5'-TGACCTTCTTGTACAGCTGCGGGTAGTAGAGCTCCAGGCTCTCGAGGAAGGCCACGTAGC[C>T]CTTGTGGCCGGTCCGCTGCAGGATGTCCAGGAGCACACCTGCGGGCCAGAGAGGCCTAAC-3'
Protein context (NP_434700.2, residues 65-85): LDILQRTGHK[Gly75Ser]YVAFLESLEL

ClinVar aggregate classification (germline): Uncertain significance (1 of 4 stars; one submission).

Conditions:
Predisposition to invasive fungal disease due to CARD9 deficiency (IMD103). Also called: Candidiasis, familial, 2, autosomal recessive; IMMUNODEFICIENCY 103, SUSCEPTIBILITY TO FUNGAL INFECTIONS; CARD9 IMMUNODEFICIENCY. Identifiers: Orphanet 457088, MedGen C1859353, MONDO:0008905, OMIM 212050.

Allele frequency attached by ClinVar (database versions not stated): gnomAD exomes below 0.00001; TOPMed below 0.00001.
gnomAD v4.1: 4 of 1,586,848 alleles (0.00025%); highest among the groups gnomAD compares: Non-Finnish European, 0.00026%; no homozygotes.

Submission:

Labcorp Genetics (formerly Invitae), Labcorp
Classification: Uncertain significance for Predisposition to invasive fungal disease due to CARD9 deficiency. Last evaluated: 2018-10-01. Review status: criteria provided, single submitter. Criteria: Invitae Variant Classification Sherloc (09022015). Collection method: clinical testing. Allele origin: germline.
Comment: This sequence change replaces glycine with serine at codon 75 of the CARD9 protein (p.Gly75Ser). The glycine residue is highly conserved and there is a small physicochemical difference between glycine and serine. This variant is not present in population databases (ExAC no frequency). In summary, the available evidence is currently insufficient to determine the role of this variant in disease. Therefore, it has been classified as a Variant of Uncertain Significance. Algorithms developed to predict the effect of missense changes on protein structure and function (SIFT, PolyPhen-2, Align-GVGD) all suggest that this variant is likely to be disruptive, but these predictions have not been confirmed by published functional studies and their clinical significance is uncertain. This variant has not been reported in the literature in individuals with CARD9-related disease.